The following is an entry in ClinVar:

NM_000051.4(ATM):c.1783_1802+91del

Gene: ATM (ATM serine/threonine kinase; plus strand). Cytogenetic location: 11q22.3.
Variant type: Deletion.
Coding change: c.1783_1802+91del on transcript NM_000051.4 (MANE Select); coding-DNA position 1783 through 91 bases into the intron after coding-DNA position 1802, 111 bases deleted.
Molecular consequence: splice donor variant.
Genome position (GRCh38, 1-based): chr11:108,252,012-108,252,122, 111 bases deleted. GRCh37 (hg19): chr11:108,122,739-108,122,849.
Other names: c.1783_1802+91del (NM_001351834.2); c.1783_1802+91del111 (NM_000051.3).
Identifiers: ClinVar variation 407614 (VCV000407614.17), dbSNP rs1555072063, ClinGen allele CA16613267.

ClinVar aggregate classification (germline): Likely pathogenic. Review status: criteria provided, multiple submitters, no conflicts (2 of 4 stars). 6 submissions from 6 submitters: Likely pathogenic (6). Last evaluated 2025-05-21.

Conditions:
ATM-related cancer predisposition. Also called: ATM-related cancer susceptibility. Identifiers: MedGen CN377759, MONDO:0700270.
ATM-related disorder. Also called: ATM-related disorders; ATM-related condition.
Hereditary cancer-predisposing syndrome. Also called: Neoplastic Syndromes, Hereditary; Tumor predisposition; Hereditary Cancer Syndrome; Hereditary neoplastic syndrome. Identifiers: Orphanet 140162, MedGen C0027672, MeSH D009386, MONDO:0015356.
Ataxia-telangiectasia syndrome (AT). Also called: LOUIS-BAR SYNDROME; Ataxia-telangiectasia, complementation group E; ATAXIA-TELANGIECTASIA, COMPLEMENTATION GROUP A; ATAXIA-TELANGIECTASIA, FRESNO VARIANT; Ataxia-telangiectasia; Ataxia telangiectasia (A-T). Identifiers: Orphanet 100, MedGen C0004135, MONDO:0008840, OMIM 208900.

Submissions (6):

Labcorp Genetics (formerly Invitae), Labcorp
Classification: Likely pathogenic for Ataxia-telangiectasia syndrome. Last evaluated: 2025-05-21. Review status: criteria provided, single submitter. Criteria: Invitae Variant Classification Sherloc (09022015). Collection method: clinical testing. Allele origin: germline.
Comment: This variant results in the deletion of part of exon 11 (c.1783_1802+91del) of the ATM gene. It is expected to disrupt RNA splicing. Variants that disrupt the donor or acceptor splice site typically lead to a loss of protein function (PMID: 16199547), and loss-of-function variants in ATM are known to be pathogenic (PMID: 23807571, 25614872). This variant is not present in population databases (gnomAD no frequency). This variant has been observed in individual(s) with pancreatic ductal adenocarcinoma (PMID: 32255556). ClinVar contains an entry for this variant (Variation ID: 407614). In summary, the currently available evidence indicates that the variant is pathogenic, but additional data are needed to prove that conclusively. Therefore, this variant has been classified as Likely Pathogenic.

Ambry Genetics
Classification: Likely pathogenic for Hereditary cancer-predisposing syndrome. Last evaluated: 2024-09-30. Review status: criteria provided, single submitter. Criteria: Ambry Variant Classification Scheme 2023. Collection method: clinical testing. Allele origin: germline.
Comment: The c.1783_1802+91del111 intronic variant begins 91 nucleotides after coding exon 10 in the ATM gene. This variant results from a deletion of 111 nucleotides at positions c.1783 to c.1802+91. This deletion encompasses the native splice donor site. This variant was identified in 1/177 individuals with pancreatic ductal adenocarcinoma undergoing multi-gene panel testing (Cremin C et al. Cancer Med, 2020 06;9:4004-4013). This variant is considered to be rare based on population cohorts in the Genome Aggregation Database (gnomAD). In silico splice site analysis predicts that this alteration will weaken the native splice donor site; however, direct evidence is insufficient at this time (Ambry internal data). Alterations that disrupt the canonical splice site are expected to cause aberrant splicing, resulting in an abnormal protein or a transcript that is subject to nonsense-mediated mRNA decay. As such, this alteration is classified as likely pathogenic.

Department of Pathology and Laboratory Medicine, Sinai Health System
Classification: Likely pathogenic for ATM-related cancer predisposition. Last evaluated: 2024-04-11. Review status: criteria provided, single submitter. Criteria: ACMG Guidelines, 2015. Collection method: clinical testing. Allele origin: germline. Affected: no.

GeneDx
Classification: Likely pathogenic. Last evaluated: 2023-11-22. Review status: criteria provided, single submitter. Criteria: GeneDx Variant Classification Process June 2021. Collection method: clinical testing. Allele origin: germline. Affected: yes.
Comment: Splice variant involving the canonical site, predicted to result in a null allele in a gene for which loss of function is a known mechanism of disease; Not observed at significant frequency in large population cohorts (gnomAD); This variant is associated with the following publications: (PMID: 32255556)

Color Diagnostics, LLC DBA Color Health
Classification: Likely pathogenic for Hereditary cancer-predisposing syndrome. Last evaluated: 2023-05-23. Review status: criteria provided, single submitter. Criteria: ACMG Guidelines, 2015. Collection method: clinical testing. Allele origin: germline.
Comment: This variant deletes 111 nucleotides in exon 11/intron 11 splice junction of the ATM gene, removing the splice donor site. Aberrant splicing is expected to result in a premature translation stop signal and an absent or non-functional protein product, but this has not been tested experimentally. This variant has not been identified in the general population by the Genome Aggregation Database (gnomAD). Loss of ATM function is a known mechanism of disease. Based on the available evidence, this variant is classified as Likely Pathogenic.

Blueprint Genetics
Classification: Likely pathogenic for ATM-related disorders. Last evaluated: 2020-07-23. Review status: criteria provided, single submitter. Criteria: ACMG Guidelines, 2015. Collection method: clinical testing. Allele origin: germline. Affected: yes. Observed: 1 variant allele.

Literature cited by the submitters: PubMed 16199547 (cited by Labcorp Genetics (formerly Invitae), Labcorp); PubMed 23807571 (cited by Labcorp Genetics (formerly Invitae), Labcorp); PubMed 25614872 (cited by Labcorp Genetics (formerly Invitae), Labcorp); PubMed 32255556 (cited by 3 submitters).